The following is an entry in ClinVar:

ClinVar aggregate classification (germline): Uncertain significance (1 of 4 stars; one submission).

Allele frequency attached by ClinVar (database versions not stated): ExAC 0.00006; gnomAD 0.00006; gnomAD exomes 0.00006; TOPMed 0.00006; ESP Exome Variant Server 0.00008.
gnomAD v4.1: 95 of 1,612,802 alleles (0.0059%); highest among the groups gnomAD compares: Non-Finnish European, 0.0063%; no homozygotes.

Submission:

Labcorp Genetics (formerly Invitae), Labcorp
Classification: Uncertain significance. Last evaluated: 2022-10-20. Review status: criteria provided, single submitter. Criteria: Invitae Variant Classification Sherloc (09022015). Collection method: clinical testing. Allele origin: germline.
Comment: This sequence change replaces threonine, which is neutral and polar, with alanine, which is neutral and non-polar, at codon 1426 of the PCLO protein (p.Thr1426Ala). This variant is present in population databases (rs371527843, gnomAD 0.02%). This variant has not been reported in the literature in individuals affected with PCLO-related conditions. ClinVar contains an entry for this variant (Variation ID: 1413007). Algorithms developed to predict the effect of missense changes on protein structure and function output the following: SIFT: "Tolerated"; PolyPhen-2: "Not Available"; Align-GVGD: "Class C0". The alanine amino acid residue is found in multiple mammalian species, which suggests that this missense change does not adversely affect protein function. In summary, the available evidence is currently insufficient to determine the role of this variant in disease. Therefore, it has been classified as a Variant of Uncertain Significance.

NM_033026.6(PCLO):c.4276A>G (p.Thr1426Ala)

Gene: PCLO (piccolo presynaptic cytomatrix protein; minus strand). Cytogenetic location: 7q21.11.
Variant type: single nucleotide variant.
Coding change: c.4276A>G on transcript NM_033026.6 (MANE Select); coding-DNA position 4276, A replaced by G.
Protein change: p.Thr1426Ala; replaces threonine 1426 with alanine.
Molecular consequence: missense variant.
Genome position (GRCh38, 1-based): chr7:82,956,677, T>C on the plus strand (A>G on the coding strand, the complement: PCLO is on the minus strand). VCF-style: chr7-82956677-T-C. GRCh37 (hg19) VCF-style: chr7-82585993-T-C.
Other names: c.4276A>G, p.Thr1426Ala (NM_014510.3); short protein forms T1426A.
Identifiers: ClinVar variation 1413007 (VCV001413007.3), dbSNP rs371527843, ClinGen allele CA4320860.